The following is an entry in ClinVar:

NM_000235.4(LIPA):c.1068A>G (p.Leu356=)

Gene: LIPA (lipase A, lysosomal acid type; minus strand). Cytogenetic location: 10q23.31.
Variant type: single nucleotide variant.
Coding change: c.1068A>G on transcript NM_000235.4 (MANE Select); coding-DNA position 1068, A replaced by G.
Protein change: p.Leu356=; no amino-acid change (leucine 356 retained).
Molecular consequence: synonymous variant.
Genome position (GRCh38, 1-based): chr10:89,214,960, T>C on the plus strand (A>G on the coding strand, the complement: LIPA is on the minus strand). VCF-style: chr10-89214960-T-C. GRCh37 (hg19) VCF-style: chr10-90974717-T-C.
Other names: c.1068A>G (NM_000235.2, NM_000235.3); c.1068A>G, p.Leu356= (NM_001127605.3); c.720A>G, p.Leu240= (NM_001288979.2).
Identifiers: ClinVar variation 989897 (VCV000989897.15), dbSNP rs137932212, ClinGen allele CA5593515.
Genomic context (GRCh38, chr10:89,214,960, plus strand): 5'-GTCAAGATGCTCCCATTCCGGAATGCTCTCATGGAACACCAAGTTGGTGATCTGAGTCAG[T>C]AAGATATTGACGTCGTAGACATCTGCAAGCCAGTCGTGACCCCCGCTCCAGACTGCAGTC-3'
Protein context (NP_000226.2, residues 346-366): WLADVYDVNI[Leu356=]LTQITNLVFH

ClinVar aggregate classification (germline): Likely benign. Review status: criteria provided, multiple submitters, no conflicts (2 of 4 stars). 4 submissions from 4 submitters: Likely benign (2). 2 of the submissions do not count toward it. Last evaluated 2025-12-24.

Conditions:
Wolman disease (WOLD). Also called: Acid cholesteryl ester hydrolase deficiency, Wolman type; Acid lipase disease; LYSOSOMAL ACID LIPASE DEFICIENCY, ACUTE INFANTILE; LYSOSOMAL ACID LIPASE DEFICIENCY, COMPLETE; LIPA DEFICIENCY, COMPLETE; LAL DEFICIENCY, COMPLETE. Identifiers: Orphanet 75233, MedGen C0043208, MONDO:0019148, OMIM 620151.
LIPA-related disorder. Also called: LIPA-related disorders; LIPA-related condition.
Lysosomal acid lipase deficiency. Also called: Acid cholesteryl ester hydrolase deficiency, type 2. Identifiers: Orphanet 275761, MedGen C5574740, MONDO:0800449, MONDO:0010204.
Cardiovascular phenotype. Identifiers: MedGen CN230736.

Allele frequency attached by ClinVar (database versions not stated): gnomAD exomes 0.00001 and 0.00002; gnomAD 0.00013 and 0.00011; ExAC 0.00003; TOPMed 0.00007; ESP Exome Variant Server 0.00031.
gnomAD v4.1: 34 of 1,614,000 alleles (0.0021%); highest among the groups gnomAD compares: African/African-American, 0.043%; no homozygotes.

Submissions (4):

Labcorp Genetics (formerly Invitae), Labcorp
Classification: Likely benign for Wolman disease. Last evaluated: 2025-12-24. Review status: criteria provided, single submitter. Criteria: Invitae Variant Classification Sherloc (09022015). Collection method: clinical testing. Allele origin: germline.

Ambry Genetics
Classification: Likely benign for Cardiovascular phenotype. Last evaluated: 2022-08-30. Review status: criteria provided, single submitter. Criteria: Ambry Variant Classification Scheme 2023. Collection method: clinical testing. Allele origin: germline.

PreventionGenetics, part of Exact Sciences
Classification: Likely benign for LIPA-related condition. Last evaluated: 2022-03-23. Review status: no assertion criteria provided. Collection method: clinical testing. Allele origin: germline. Not counted in ClinVar's aggregate classification.
Comment: This variant is classified as likely benign based on ACMG/AMP sequence variant interpretation guidelines (Richards et al. 2015 PMID: 25741868, with internal and published modifications).

Natera, Inc.
Classification: Uncertain significance for Lysosomal acid lipase deficiency. Last evaluated: 2020-08-24. Review status: no assertion criteria provided. Collection method: clinical testing. Allele origin: germline. Not counted in ClinVar's aggregate classification.